The following is an entry in ClinVar:

Conditions:
Long QT syndrome 5 (LQT5). Identifiers: Orphanet 101016, Orphanet 768, MedGen C1867904, MONDO:0013372, OMIM 613695.

Submission:

Roden Lab, Vanderbilt University Medical Center
No classification provided (evidence only). Condition: Long QT syndrome 5. Review status: no classification provided. Collection method: in vitro. Allele origin: not applicable. Functional consequence: Effect on ion channel function.
ClinVar note: "not provided" was previously submitted as the classification for the variant. However, the classification appeared to be based only on an observation of functional data so it was converted to no classification on 2025-07-30.

NM_000219.6(KCNE1):c.262C>G (p.Gln88Glu)

Gene: KCNE1 (potassium voltage-gated channel subfamily E regulatory subunit 1; minus strand). Cytogenetic location: 21q22.12.
Variant type: single nucleotide variant.
Coding change: c.262C>G on transcript NM_000219.6 (MANE Select); coding-DNA position 262, C replaced by G.
Protein change: p.Gln88Glu; replaces glutamine 88 with glutamic acid.
Molecular consequence: missense variant.
Genome position (GRCh38, 1-based): chr21:34,449,373, G>C on the plus strand (C>G on the coding strand, the complement: KCNE1 is on the minus strand). VCF-style: chr21-34449373-G-C. GRCh37 (hg19) VCF-style: chr21-35821671-G-C.
Other names: c.262C>G, p.Gln88Glu (NM_001127668.4, NM_001127669.4, NM_001127670.4 and 4 more transcripts); short protein forms Q88E.
Identifiers: ClinVar variation 3374472 (VCV003374472.2).